The following is an entry in ClinVar:

NM_002769.5(PRSS1):c.667A>C (p.Lys223Gln)

Genes: PRSS1 (serine protease 1; plus strand), TRB (T cell receptor beta locus; plus strand). Cytogenetic location: 7q34.
Variant type: single nucleotide variant.
Coding change: c.667A>C on transcript NM_002769.5 (MANE Select); coding-DNA position 667, A replaced by C.
Protein change: p.Lys223Gln; replaces lysine 223 with glutamine.
Molecular consequence: missense variant. On other transcripts: non-coding transcript variant (5).
Genome position (GRCh38, 1-based): chr7:142,752,943, A>C. VCF-style: chr7-142752943-A-C. GRCh37 (hg19) VCF-style: chr7-142460794-A-C.
Other names: short protein forms K223Q.
Identifiers: ClinVar variation 3939047 (VCV003939047.1).

ClinVar aggregate classification (germline): Uncertain significance (1 of 4 stars; one submission).

Conditions:
Hereditary pancreatitis (PCTT). Also called: Hereditary chronic pancreatitis; PRSS1-Related Hereditary Pancreatitis. Identifiers: Orphanet 676, MedGen C0238339, MONDO:0008185, OMIM 167800.

Submission:

Ambry Genetics
Classification: Uncertain significance for Hereditary pancreatitis. Last evaluated: 2025-04-12. Review status: criteria provided, single submitter. Criteria: Ambry Variant Classification Scheme 2023. Collection method: clinical testing. Allele origin: germline.
Comment: The p.K223Q variant (also known as c.667A>C), located in coding exon 5 of the PRSS1 gene, results from an A to C substitution at nucleotide position 667. The lysine at codon 223 is replaced by glutamine, an amino acid with similar properties. This amino acid position is conserved. In addition, this alteration is predicted to be tolerated by in silico analysis. Based on the available evidence, the clinical significance of this variant remains unclear.